The following is an entry in ClinVar:

ClinVar aggregate classification (germline): Uncertain significance (1 of 4 stars; one submission).

Conditions:
Adams-Oliver syndrome 5 (AOS5). Identifiers: Orphanet 974, MedGen C4014970, MONDO:0014459, OMIM 616028.

Allele frequency attached by ClinVar (database versions not stated): TOPMed 0.00001.

Submission:

Labcorp Genetics (formerly Invitae), Labcorp
Classification: Uncertain significance for Adams-Oliver syndrome 5. Last evaluated: 2025-10-23. Review status: criteria provided, single submitter. Criteria: Invitae Variant Classification Sherloc (09022015). Collection method: clinical testing. Allele origin: germline.
Comment: This sequence change replaces alanine, which is neutral and non-polar, with threonine, which is neutral and polar, at codon 1639 of the NOTCH1 protein (p.Ala1639Thr). This variant is not present in population databases (gnomAD no frequency). This variant has not been reported in the literature in individuals affected with NOTCH1-related conditions. ClinVar contains an entry for this variant (Variation ID: 241144). Invitae Evidence Modeling of protein sequence and biophysical properties (such as structural, functional, and spatial information, amino acid conservation, physicochemical variation, residue mobility, and thermodynamic stability) indicates that this missense variant is not expected to disrupt NOTCH1 protein function with a negative predictive value of 95%. In summary, the available evidence is currently insufficient to determine the role of this variant in disease. Therefore, it has been classified as a Variant of Uncertain Significance.

NM_017617.5(NOTCH1):c.4915G>A (p.Ala1639Thr)

Gene: NOTCH1 (notch receptor 1; minus strand). Cytogenetic location: 9q34.3.
Variant type: single nucleotide variant.
Coding change: c.4915G>A on transcript NM_017617.5 (MANE Select); coding-DNA position 4915, G replaced by A.
Protein change: p.Ala1639Thr; replaces alanine 1639 with threonine.
Molecular consequence: missense variant.
Genome position (GRCh38, 1-based): chr9:136,504,776, C>T on the plus strand (G>A on the coding strand, the complement: NOTCH1 is on the minus strand). VCF-style: chr9-136504776-C-T. GRCh37 (hg19) VCF-style: chr9-139399228-C-T.
Other names: c.4915G>A, p.Ala1639Thr (LRG_1122t1); short protein forms A1639T.
Identifiers: ClinVar variation 241144 (VCV000241144.8), dbSNP rs878855026, ClinGen allele CA10582644.